The following is an entry in ClinVar:

ClinVar aggregate classification (germline): Likely benign. Review status: criteria provided, multiple submitters, no conflicts (2 of 4 stars). 2 submissions from 2 submitters: Likely benign (2). Last evaluated 2024-09-10.

Conditions:
DYRK1A-related intellectual disability syndrome (MRD7). Also called: Intellectual developmental disorder, autosomal dominant 7; DYRK1A Syndrome. Identifiers: Orphanet 464306, MedGen C5568143, MONDO:0013578, OMIM 614104.

Submissions (2):

Labcorp Genetics (formerly Invitae), Labcorp
Classification: Likely benign for DYRK1A-related intellectual disability syndrome. Last evaluated: 2024-09-10. Review status: criteria provided, single submitter. Criteria: Invitae Variant Classification Sherloc (09022015). Collection method: clinical testing. Allele origin: germline.

GeneDx
Classification: Likely benign. Last evaluated: 2018-05-15. Review status: criteria provided, single submitter. Criteria: GeneDx Variant Classification (06012015). Collection method: clinical testing. Allele origin: germline. Affected: yes.
Comment: This variant is considered likely benign or benign based on one or more of the following criteria: it is a conservative change, it occurs at a poorly conserved position in the protein, it is predicted to be benign by multiple in silico algorithms, and/or has population frequency not consistent with disease.

NM_001347721.2(DYRK1A):c.1807CACCACCACCAT[1] (p.His607_His610del)

Gene: DYRK1A (dual specificity tyrosine phosphorylation regulated kinase 1A; plus strand). Cytogenetic location: 21q22.13.
Variant type: Microsatellite.
Coding change: c.1807CACCACCACCAT[1] on transcript NM_001347721.2 (MANE Select); one copy of the 12-base unit CACCACCACCAT starting at c.1807; the reference has two copies in a row; one copy, 12 bases deleted.
Protein change: p.His607_His610del.
Molecular consequence: inframe deletion. On other transcripts: 3 prime UTR variant (2).
Genome position (GRCh38, 1-based): chr21:37,512,085-37,512,096, CACCACCACCAT deleted; deleting any 12 consecutive bases within chr21:37,512,073-37,512,096 gives the same sequence; the position shown is the placement nearest the transcript's 3' end. VCF-style (leftmost placement, unchanged base first): chr21-37512072-CCACCACCACCAT-C. GRCh37 (hg19) VCF-style: chr21-38884375-CCACCACCACCAT-C.
Other names: c.1846_1857del (NM_001396.3); c.1807CACCACCACCAT[1], p.His607_His610del (NM_001347722.2, NM_130436.2); c.1720CACCACCACCAT[1], p.His578_His581del (NM_001347723.2); c.1834CACCACCACCAT[1], p.His616_His619del (NM_001396.5); c.*210CACCACCACCAT[1] (NM_101395.2); c.*119CACCACCACCAT[1] (NM_130438.2).
Identifiers: ClinVar variation 668385 (VCV000668385.11), dbSNP rs752377554, ClinGen allele CA10024109.